The following is an entry in ClinVar:

ClinVar aggregate classification (germline): Uncertain significance. Review status: criteria provided, multiple submitters, no conflicts (2 of 4 stars). 2 submissions from 2 submitters: Uncertain significance (2). Last evaluated 2026-01-01.

Conditions:
Cardiovascular phenotype. Identifiers: MedGen CN230736.
RASopathy. Also called: rasopathies; Noonan spectrum disorder. Identifiers: Orphanet 536391, MedGen C5555857, MONDO:0021060.

Allele frequency attached by ClinVar (database versions not stated): TOPMed below 0.00001.

Submissions (2):

Labcorp Genetics (formerly Invitae), Labcorp
Classification: Uncertain significance for RASopathy. Last evaluated: 2026-01-01. Review status: criteria provided, single submitter. Criteria: Invitae Variant Classification Sherloc (09022015). Collection method: clinical testing. Allele origin: germline.
Comment: This sequence change replaces serine, which is neutral and polar, with cysteine, which is neutral and slightly polar, at codon 110 of the BRAF protein (p.Ser110Cys). This variant is not present in population databases (gnomAD no frequency). This variant has not been reported in the literature in individuals affected with BRAF-related conditions. ClinVar contains an entry for this variant (Variation ID: 1729924). Invitae Evidence Modeling of protein sequence and biophysical properties (such as structural, functional, and spatial information, amino acid conservation, physicochemical variation, residue mobility, and thermodynamic stability) has been performed for this missense variant. However, the output from this modeling did not meet the statistical confidence thresholds required to predict the impact of this variant on BRAF protein function. In summary, the available evidence is currently insufficient to determine the role of this variant in disease. Therefore, it has been classified as a Variant of Uncertain Significance.

Ambry Genetics
Classification: Uncertain significance for Cardiovascular phenotype. Last evaluated: 2022-01-11. Review status: criteria provided, single submitter. Criteria: Ambry Variant Classification Scheme 2023. Collection method: clinical testing. Allele origin: germline.
Comment: The p.S110C variant (also known as c.329C>G), located in coding exon 3 of the BRAF gene, results from a C to G substitution at nucleotide position 329. The serine at codon 110 is replaced by cysteine, an amino acid with dissimilar properties. This amino acid position is conserved. In addition, this alteration is predicted to be tolerated by in silico analysis. Since supporting evidence is limited at this time, the clinical significance of this alteration remains unclear.

NM_004333.6(BRAF):c.329C>G (p.Ser110Cys)

Gene: BRAF (B-Raf proto-oncogene, serine/threonine kinase; minus strand). Cytogenetic location: 7q34.
Variant type: single nucleotide variant.
Coding change: c.329C>G on transcript NM_004333.6 (MANE Select); coding-DNA position 329, C replaced by G.
Protein change: p.Ser110Cys; replaces serine 110 with cysteine.
Molecular consequence: missense variant. On other transcripts: intron variant (1).
Genome position (GRCh38, 1-based): chr7:140,834,784, G>C on the plus strand (C>G on the coding strand, the complement: BRAF is on the minus strand). VCF-style: chr7-140834784-G-C. GRCh37 (hg19) VCF-style: chr7-140534584-G-C.
Other names: c.329C>G, p.Ser110Cys (NM_001354609.2, NM_001374244.1, NM_001374258.1 and 5 more transcripts); c.227C>G, p.Ser76Cys (NM_001378470.1); c.173C>G, p.Ser58Cys (NM_001378472.1, NM_001378473.1); c.240+15327C>G (NM_001378475.1); short protein forms S110C, S76C, S58C.
Identifiers: ClinVar variation 1729924 (VCV001729924.7), dbSNP rs1807140667, ClinGen allele CA369593772.